The following is an entry in ClinVar:

NM_000548.5(TSC2):c.1784A>C (p.Gln595Pro)

Gene: TSC2 (TSC complex subunit 2; plus strand). Cytogenetic location: 16p13.3.
Variant type: single nucleotide variant.
Coding change: c.1784A>C on transcript NM_000548.5 (MANE Select); coding-DNA position 1784, A replaced by C.
Protein change: p.Gln595Pro; replaces glutamine 595 with proline.
Molecular consequence: missense variant.
Genome position (GRCh38, 1-based): chr16:2,070,523, A>C. VCF-style: chr16-2070523-A-C. GRCh37 (hg19) VCF-style: chr16-2120524-A-C.
Other names: c.1784A>C, p.Gln595Pro (NM_001077183.3, NM_001114382.3, NM_001363528.2 and 3 more transcripts); c.1673A>C, p.Gln558Pro (NM_001318827.2); c.1637A>C, p.Gln546Pro (NM_001318829.2); c.1184A>C, p.Gln395Pro (NM_001318831.2); c.1817A>C, p.Gln606Pro (NM_001318832.2); short protein forms Q595P, Q606P, Q395P, Q546P, Q558P.
Identifiers: ClinVar variation 1492794 (VCV001492794.11), dbSNP rs781087045, ClinGen allele CA033522.
Genomic context (GRCh38, chr16:2,070,523, plus strand): 5'-TGTACACCCTGCCTGCAAGCCACGCCACGCGTGTGTATGAGATGCTGGTCAGCCACATTC[A>C]GCTCCACTACAAGCACAGCTACACCCTGCCAATCGCGAGCAGCATCCGGCTGCAGGTATG-3'
Protein context (NP_000539.2, residues 585-605): RVYEMLVSHI[Gln595Pro]LHYKHSYTLP

ClinVar aggregate classification (germline): Conflicting classifications of pathogenicity. Review status: criteria provided, conflicting classifications (1 of 4 stars). 4 submissions from 4 submitters: Uncertain significance (3); Benign (1). Last evaluated 2024-04-16.

Conditions:
Hereditary cancer-predisposing syndrome. Also called: Neoplastic Syndromes, Hereditary; Tumor predisposition; Hereditary neoplastic syndrome; Hereditary Cancer Syndrome. Identifiers: Orphanet 140162, MedGen C0027672, MeSH D009386, MONDO:0015356.
Tuberous sclerosis syndrome (TSC). Also called: Tuberous Sclerosis Complex; Tuberous sclerosis. Identifiers: Orphanet 805, MedGen C0041341, MONDO:0001734.
Lymphangiomyomatosis (LAM). Also called: Lymphangioleiomyomatosis, somatic; Lymphangioleiomyomatosis. Identifiers: Orphanet 538, MedGen C0751674, MONDO:0011705, OMIM 606690.
Isolated focal cortical dysplasia type II (FCORD2). Also called: CORTICAL DYSPLASIA OF TAYLOR; Focal cortical dysplasia type II. Identifiers: Orphanet 268994, MedGen C1846385, MONDO:0011818, OMIM 607341, HP:0032051.
Tuberous sclerosis 2 (TSC2). Identifiers: Orphanet 805, MedGen C1860707, MONDO:0013199, OMIM 613254.

Allele frequency attached by ClinVar (database versions not stated): gnomAD exomes below 0.00001; ExAC 0.00001.
gnomAD v4.1: 5 of 1,613,342 alleles (0.00031%); highest among the groups gnomAD compares: East Asian, 0.0022%; no homozygotes.

Submissions (4):

Ambry Genetics
Classification: Uncertain significance for Hereditary cancer-predisposing syndrome. Last evaluated: 2024-04-16. Review status: criteria provided, single submitter. Criteria: Ambry Variant Classification Scheme 2023. Collection method: clinical testing. Allele origin: germline.
Comment: The p.Q595P variant (also known as c.1784A>C), located in coding exon 16 of the TSC2 gene, results from an A to C substitution at nucleotide position 1784. The glutamine at codon 595 is replaced by proline, an amino acid with similar properties. This amino acid position is highly conserved in available vertebrate species. In addition, this alteration is predicted to be deleterious by in silico analysis. Since supporting evidence is limited at this time, the clinical significance of this alteration remains unclear.

Fulgent Genetics
Classification: Uncertain significance for Lymphangiomyomatosis; Isolated focal cortical dysplasia type II; Tuberous sclerosis 2. Last evaluated: 2024-02-04. Review status: criteria provided, single submitter. Criteria: ACMG Guidelines, 2015. Collection method: clinical testing. Allele origin: germline.

All of Us Research Program, National Institutes of Health
Classification: Uncertain significance for Tuberous sclerosis syndrome. Last evaluated: 2023-06-26. Review status: criteria provided, single submitter. Criteria: ACMG Guidelines, 2015. Collection method: clinical testing. Allele origin: germline. Inheritance: Autosomal dominant inheritance. Observed: 1 variant allele, 1 heterozygote.
Comment: This missense variant replaces glutamine with proline at codon 595 of the TSC2 protein. Computational prediction suggests that this variant may have deleterious impact on protein structure and function (internally defined REVEL score threshold >= 0.7, PMID: 27666373). To our knowledge, functional studies have not been reported for this variant. This variant has not been reported in individuals affected with TSC2-related disorders in the literature. This variant has been identified in 1/250758 chromosomes in the general population by the Genome Aggregation Database (gnomAD). The available evidence is insufficient to determine the role of this variant in disease conclusively. Therefore, this variant is classified as a Variant of Uncertain Significance.

This study involves interpretation of variants in research participants for the purpose of population health screening. Participant phenotype was not available at the time of variant classification. Additional details can be found in publication PMID: 35346344, PMCID: PMC8962531

Labcorp Genetics (formerly Invitae), Labcorp
Classification: Benign for Tuberous sclerosis 2. Last evaluated: 2022-10-24. Review status: criteria provided, single submitter. Criteria: Invitae Variant Classification Sherloc (09022015). Collection method: clinical testing. Allele origin: germline.